The following is an entry in ClinVar:

NM_001458.5(FLNC):c.2731A>C (p.Lys911Gln)

Gene: FLNC (filamin C; plus strand). Cytogenetic location: 7q32.1.
Variant type: single nucleotide variant.
Coding change: c.2731A>C on transcript NM_001458.5 (MANE Select); coding-DNA position 2731, A replaced by C.
Protein change: p.Lys911Gln; replaces lysine 911 with glutamine.
Molecular consequence: missense variant.
Genome position (GRCh38, 1-based): chr7:128,843,497, A>C. VCF-style: chr7-128843497-A-C. GRCh37 (hg19) VCF-style: chr7-128483551-A-C.
Other names: c.2731A>C, p.Lys911Gln (NM_001127487.2); short protein forms K911Q.
Identifiers: ClinVar variation 2002324 (VCV002002324.4), dbSNP rs1011729839, ClinGen allele CA369193065.

ClinVar aggregate classification (germline): Uncertain significance (1 of 4 stars; one submission).

Conditions:
Myofibrillar myopathy 5. Also called: Filaminopathy (type); FILAMINOPATHY, AUTOSOMAL DOMINANT. Identifiers: Orphanet 171445, MedGen C1836050, MONDO:0012289, OMIM 609524.
Distal myopathy with posterior leg and anterior hand involvement. Also called: WILLIAMS DISTAL MYOPATHY. Identifiers: Orphanet 63273, MedGen C3279722, MONDO:0013550, OMIM 614065.
Hypertrophic cardiomyopathy 26. Also called: Cardiomyopathy, familial hypertrophic, 26. Identifiers: Orphanet 75249, MedGen C4310749, MONDO:0014883, OMIM 617047.

Submission:

Labcorp Genetics (formerly Invitae), Labcorp
Classification: Uncertain significance for Distal myopathy with posterior leg and anterior hand involvement; Myofibrillar myopathy 5; Hypertrophic cardiomyopathy 26. Last evaluated: 2022-06-03. Review status: criteria provided, single submitter. Criteria: Invitae Variant Classification Sherloc (09022015). Collection method: clinical testing. Allele origin: germline.
Comment: This variant has not been reported in the literature in individuals affected with FLNC-related conditions. Algorithms developed to predict the effect of missense changes on protein structure and function (SIFT, PolyPhen-2, Align-GVGD) all suggest that this variant is likely to be tolerated. In summary, the available evidence is currently insufficient to determine the role of this variant in disease. Therefore, it has been classified as a Variant of Uncertain Significance. This sequence change replaces lysine, which is basic and polar, with glutamine, which is neutral and polar, at codon 911 of the FLNC protein (p.Lys911Gln). This variant is not present in population databases (gnomAD no frequency).